The following is an entry in ClinVar:

ClinVar aggregate classification (germline): not provided (0 of 4 stars; one submission).

Allele frequency attached by ClinVar (database versions not stated): TOPMed below 0.00001; gnomAD 0.00001.
gnomAD v4.1: 2 of 152,350 alleles (0.0013%); highest among the groups gnomAD compares: East Asian, 0.019%; no homozygotes.

Submission:

Human Evolutionary Genetics, Institut Pasteur
No classification provided. Review status: no classification provided. Collection method: not provided. Allele origin: germline.
ClinVar note: Converted during submission from untested to not provided.

NM_001384950.1(NLRC5):c.424+276C>T

Gene: NLRC5 (NLR family CARD domain containing 5; plus strand). Cytogenetic location: 16q13.
Variant type: single nucleotide variant.
Coding change: c.424+276C>T on transcript NM_001384950.1 (MANE Select); 276 bases into the intron after coding-DNA position 424, C replaced by T.
Molecular consequence: intron variant.
Genome position (GRCh38, 1-based): chr16:57,024,129, C>T. VCF-style: chr16-57024129-C-T. GRCh37 (hg19) VCF-style: chr16-57058041-C-T.
Other names: c.424+276C>T (NM_001384954.1, NM_001384953.1, NM_001384957.1 and 22 more transcripts).
Identifiers: ClinVar variation 103192 (VCV000103192.2), dbSNP rs199475971, ClinGen allele CA230240.